The following is an entry in ClinVar:

ClinVar aggregate classification (germline): Uncertain significance. Review status: criteria provided, multiple submitters, no conflicts (2 of 4 stars). 2 submissions from 2 submitters: Uncertain significance (2). Last evaluated 2025-04-23.

Conditions:
Inborn genetic diseases. Identifiers: MedGen C0950123, MeSH D030342.

Allele frequency attached by ClinVar (database versions not stated): gnomAD exomes below 0.00001; ExAC 0.00003; gnomAD 0.00003; TOPMed 0.00006; ESP Exome Variant Server 0.00008.
gnomAD v4.1: 9 of 1,599,552 alleles (0.00056%); highest among the groups gnomAD compares: African/African-American, 0.011%; no homozygotes.

Submissions (2):

GeneDx
Classification: Uncertain significance. Last evaluated: 2025-04-23. Review status: criteria provided, single submitter. Criteria: GeneDx Variant Classification Process June 2021. Collection method: clinical testing. Allele origin: germline. Affected: yes.
Comment: In silico analysis indicates that this missense variant does not alter protein structure/function; Has not been previously published as pathogenic or benign to our knowledge

Ambry Genetics
Classification: Uncertain significance for Inborn genetic diseases. Last evaluated: 2021-07-20. Review status: criteria provided, single submitter. Criteria: Ambry Variant Classification Scheme 2023. Collection method: clinical testing. Allele origin: germline.

NM_024298.5(MBOAT7):c.1325G>T (p.Gly442Val)

Gene: MBOAT7 (membrane bound acylglycerophosphatidylinositol O-acyltransferase MBOAT7; minus strand). Cytogenetic location: 19q13.42.
Variant type: single nucleotide variant.
Coding change: c.1325G>T on transcript NM_024298.5 (MANE Select); coding-DNA position 1325, G replaced by T.
Protein change: p.Gly442Val; replaces glycine 442 with valine.
Molecular consequence: missense variant.
Genome position (GRCh38, 1-based): chr19:54,174,138, C>A on the plus strand (G>T on the coding strand, the complement: MBOAT7 is on the minus strand). VCF-style: chr19-54174138-C-A. GRCh37 (hg19) VCF-style: chr19-54677832-C-A.
Other names: c.1325G>T (NM_024298.4); c.1106G>T, p.Gly369Val (NM_001146056.3, NM_001146083.3); short protein forms G369V, G442V.
Identifiers: ClinVar variation 2238859 (VCV002238859.3), dbSNP rs372936043, ClinGen allele CA309345196.